The following is an entry in ClinVar:

ClinVar aggregate classification (germline): Uncertain significance. Review status: criteria provided, multiple submitters, no conflicts (2 of 4 stars). 3 submissions from 3 submitters: Uncertain significance (3). Last evaluated 2025-07-07.

Conditions:
Hereditary cancer-predisposing syndrome. Also called: Neoplastic Syndromes, Hereditary; Hereditary neoplastic syndrome; Hereditary Cancer Syndrome; Tumor predisposition. Identifiers: Orphanet 140162, MedGen C0027672, MeSH D009386, MONDO:0015356.
Gastrointestinal stromal tumor. Also called: Gastrointestinal stromal tumor, somatic; Gastrointestinal stroma tumor. Identifiers: Orphanet 44890, MedGen C0238198, MeSH D046152, MONDO:0011719, OMIM 606764, HP:0100723.

Allele frequency attached by ClinVar (database versions not stated): gnomAD exomes below 0.00001 and 0.00001; gnomAD 0.00001.
gnomAD v4.1: 6 of 1,604,418 alleles (0.00037%); highest among the groups gnomAD compares: Non-Finnish European, 0.00051%; no homozygotes.

Submissions (3):

Labcorp Genetics (formerly Invitae), Labcorp
Classification: Uncertain significance for Gastrointestinal stromal tumor. Last evaluated: 2025-07-07. Review status: criteria provided, single submitter. Criteria: Invitae Variant Classification Sherloc (09022015). Collection method: clinical testing. Allele origin: germline.
Comment: This sequence change replaces lysine, which is basic and polar, with asparagine, which is neutral and polar, at codon 786 of the KIT protein (p.Lys786Asn). This variant is present in population databases (rs202144208, gnomAD 0.002%). This variant has not been reported in the literature in individuals affected with KIT-related conditions. ClinVar contains an entry for this variant (Variation ID: 237261). An algorithm developed to predict the effect of missense changes on protein structure and function (PolyPhen-2) suggests that this variant is likely to be disruptive. In summary, the available evidence is currently insufficient to determine the role of this variant in disease. Therefore, it has been classified as a Variant of Uncertain Significance.

Ambry Genetics
Classification: Uncertain significance for Hereditary cancer-predisposing syndrome. Last evaluated: 2025-06-27. Review status: criteria provided, single submitter. Criteria: Ambry Variant Classification Scheme 2023. Collection method: clinical testing. Allele origin: germline.
Comment: The p.K786N variant (also known as c.2358G>T), located in coding exon 16 of the KIT gene, results from a G to T substitution at nucleotide position 2358. The lysine at codon 786 is replaced by asparagine, an amino acid with similar properties. This amino acid position is highly conserved in available vertebrate species. In addition, the in silico prediction for this alteration is inconclusive. Based on the available evidence, the clinical significance of this variant remains unclear.

GeneDx
Classification: Uncertain significance. Last evaluated: 2022-07-28. Review status: criteria provided, single submitter. Criteria: GeneDx Variant Classification Process June 2021. Collection method: clinical testing. Allele origin: germline. Affected: yes.
Comment: Not observed at significant frequency in large population cohorts (gnomAD); In silico analysis supports that this missense variant has a deleterious effect on protein structure/function; Has not been previously published as pathogenic or benign to our knowledge

NM_000222.3(KIT):c.2358G>T (p.Lys786Asn)

Gene: KIT (KIT proto-oncogene, receptor tyrosine kinase; plus strand). Cytogenetic location: 4q12.
Variant type: single nucleotide variant.
Coding change: c.2358G>T on transcript NM_000222.3 (MANE Select); coding-DNA position 2358, G replaced by T.
Protein change: p.Lys786Asn; replaces lysine 786 with asparagine.
Molecular consequence: missense variant.
Genome position (GRCh38, 1-based): chr4:54,731,995, G>T. VCF-style: chr4-54731995-G-T. GRCh37 (hg19) VCF-style: chr4-55598161-G-T.
Other names: c.2346G>T, p.Lys782Asn (NM_001093772.2, NM_001385292.1); c.2361G>T, p.Lys787Asn (NM_001385284.1); c.2355G>T, p.Lys785Asn (NM_001385285.1); c.2343G>T, p.Lys781Asn (NM_001385286.1); c.2349G>T, p.Lys783Asn (NM_001385288.1); c.2358G>T, p.Lys786Asn (NM_001385290.1); short protein forms K786N, K782N, K781N, K783N, K785N, K787N.
Identifiers: ClinVar variation 237261 (VCV000237261.21), dbSNP rs202144208, ClinGen allele CA10582265.